The following is an entry in ClinVar:

ClinVar aggregate classification (germline): Uncertain significance (1 of 4 stars; one submission).

Allele frequency attached by ClinVar (database versions not stated): TOPMed 0.00001; gnomAD 0.00002; gnomAD exomes 0.00002; ExAC 0.00003; ESP Exome Variant Server 0.00015.

Submission:

Labcorp Genetics (formerly Invitae), Labcorp
Classification: Uncertain significance. Last evaluated: 2025-11-19. Review status: criteria provided, single submitter. Criteria: Invitae Variant Classification Sherloc (09022015). Collection method: clinical testing. Allele origin: germline.
Comment: This sequence change replaces glutamine, which is neutral and polar, with proline, which is neutral and non-polar, at codon 334 of the POLE2 protein (p.Gln334Pro). This variant is present in population databases (rs148233035, gnomAD 0.005%). This variant has not been reported in the literature in individuals affected with POLE2-related conditions. ClinVar contains an entry for this variant (Variation ID: 1914274). An algorithm developed to predict the effect of missense changes on protein structure and function (PolyPhen-2) suggests that this variant is likely to be disruptive. In summary, the available evidence is currently insufficient to determine the role of this variant in disease. Therefore, it has been classified as a Variant of Uncertain Significance.

NM_002692.4(POLE2):c.1001A>C (p.Gln334Pro)

Gene: POLE2 (DNA polymerase epsilon 2, accessory subunit; minus strand). Cytogenetic location: 14q21.3.
Variant type: single nucleotide variant.
Coding change: c.1001A>C on transcript NM_002692.4 (MANE Select); coding-DNA position 1001, A replaced by C.
Protein change: p.Gln334Pro; replaces glutamine 334 with proline.
Molecular consequence: missense variant.
Genome position (GRCh38, 1-based): chr14:49,655,022, T>G on the plus strand (A>C on the coding strand, the complement: POLE2 is on the minus strand). VCF-style: chr14-49655022-T-G. GRCh37 (hg19) VCF-style: chr14-50121740-T-G.
Other names: c.923A>C, p.Gln308Pro (NM_001197330.2); c.1001A>C, p.Gln334Pro (NM_001197331.3, NM_001348384.2); c.770A>C, p.Gln257Pro (NM_001348385.2); short protein forms Q257P, Q308P, Q334P.
Identifiers: ClinVar variation 1914274 (VCV001914274.5), dbSNP rs148233035, ClinGen allele CA7173429.